The following is an entry in ClinVar:

NM_019066.5(MAGEL2):c.703C>T (p.Pro235Ser)

Gene: MAGEL2 (MAGE family member L2; minus strand). Cytogenetic location: 15q11.2.
Variant type: single nucleotide variant.
Coding change: c.703C>T on transcript NM_019066.5 (MANE Select); coding-DNA position 703, C replaced by T.
Protein change: p.Pro235Ser; replaces proline 235 with serine.
Molecular consequence: missense variant.
Genome position (GRCh38, 1-based): chr15:23,647,040, G>A on the plus strand (C>T on the coding strand, the complement: MAGEL2 is on the minus strand). VCF-style: chr15-23647040-G-A. GRCh37 (hg19) VCF-style: chr15-23892187-G-A.
Other names: c.703C>T (NM_019066.4); short protein forms P235S.
Identifiers: ClinVar variation 2119030 (VCV002119030.5), dbSNP rs926707763, ClinGen allele CA267661214.

ClinVar aggregate classification (germline): Uncertain significance. Review status: criteria provided, multiple submitters, no conflicts (2 of 4 stars). 2 submissions from 2 submitters: Uncertain significance (2). Last evaluated 2026-02-17.

Conditions:
MAGEL2-related disorder. Also called: MAGEL2-related condition.

Allele frequency attached by ClinVar (database versions not stated): gnomAD exomes below 0.00001; TOPMed below 0.00001; gnomAD 0.00001.

Submissions (2):

PreventionGenetics, part of Exact Sciences
Classification: Uncertain significance for MAGEL2-related condition. Last evaluated: 2026-02-17. Review status: criteria provided, single submitter. Criteria: ACMG Guidelines, 2015. Collection method: clinical testing. Allele origin: germline.
Comment: The MAGEL2 c.703C>T variant is predicted to result in the amino acid substitution p.Pro235Ser. To our knowledge, this variant has not been reported in the literature or in a large population database (gnomAD), indicating this variant is rare. At this time, the clinical significance of this variant is uncertain due to the absence of conclusive functional and genetic evidence.

Labcorp Genetics (formerly Invitae), Labcorp
Classification: Uncertain significance. Last evaluated: 2022-10-27. Review status: criteria provided, single submitter. Criteria: Invitae Variant Classification Sherloc (09022015). Collection method: clinical testing. Allele origin: germline.
Comment: Experimental studies and prediction algorithms are not available or were not evaluated, and the functional significance of this variant is currently unknown. In summary, the available evidence is currently insufficient to determine the role of this variant in disease. Therefore, it has been classified as a Variant of Uncertain Significance. This variant has not been reported in the literature in individuals affected with MAGEL2-related conditions. This variant is not present in population databases (gnomAD no frequency). This sequence change replaces proline, which is neutral and non-polar, with serine, which is neutral and polar, at codon 235 of the MAGEL2 protein (p.Pro235Ser).